The following is an entry in ClinVar:

NM_006019.4(TCIRG1):c.1176del (p.Ile393fs)

Gene: TCIRG1 (T cell immune regulator 1, ATPase H+ transporting V0 subunit a3; plus strand). Cytogenetic location: 11q13.2.
Variant type: Deletion.
Coding change: c.1176del on transcript NM_006019.4 (MANE Select); coding-DNA position 1176, one base deleted (C; older notation c.1176delC).
Protein change: p.Ile393fs; shifts the reading frame from isoleucine 393.
Molecular consequence: frameshift variant.
Genome position (GRCh38, 1-based): chr11:68,047,443, C deleted; the last of 2 consecutive C bases (chr11:68,047,442-68,047,443); deleting either gives the same sequence. VCF-style (leftmost placement, unchanged base first): chr11-68047441-AC-A. GRCh37 (hg19) VCF-style: chr11-67814908-AC-A.
Other names: c.528del, p.Ile177fs (NM_006053.4); c.282del, p.Ile95fs (NM_001351059.2); short protein forms I177fs, I95fs, I393fs.
Identifiers: ClinVar variation 2745382 (VCV002745382.3), dbSNP rs2495643928, ClinGen allele CA2697548725.

ClinVar aggregate classification (germline): Pathogenic (1 of 4 stars; one submission).

Submission:

Labcorp Genetics (formerly Invitae), Labcorp
Classification: Pathogenic. Last evaluated: 2023-07-19. Review status: criteria provided, single submitter. Criteria: Invitae Variant Classification Sherloc (09022015). Collection method: clinical testing. Allele origin: germline.
Comment: This sequence change creates a premature translational stop signal (p.Ile393Serfs*10) in the TCIRG1 gene. It is expected to result in an absent or disrupted protein product. Loss-of-function variants in TCIRG1 are known to be pathogenic (PMID: 10888887, 10942435, 11532986, 19448635). For these reasons, this variant has been classified as Pathogenic. This variant has not been reported in the literature in individuals affected with TCIRG1-related conditions. This variant is not present in population databases (gnomAD no frequency).

Literature cited by the submitters: PubMed 10888887; PubMed 10942435; PubMed 11532986; PubMed 19448635.